The following is an entry in ClinVar:

ClinVar aggregate classification (germline): Likely benign (0 of 4 stars; one submission).

Conditions:
NCOR1-related disorder. Also called: NCOR1-related condition.

Allele frequency attached by ClinVar (database versions not stated): TOPMed 0.00009; gnomAD 0.00017; ExAC 0.00021; gnomAD exomes 0.00027; 1000 Genomes Project 30x 0.00062; 1000 Genomes Project 0.00080.
gnomAD v4.1: 402 of 1,611,744 alleles (0.025%); highest among the groups gnomAD compares: East Asian, 0.88%; 5 homozygotes.

Submissions (2):

PreventionGenetics, part of Exact Sciences
Classification: Likely benign for NCOR1-related condition. Last evaluated: 2022-03-01. Review status: no assertion criteria provided. Collection method: clinical testing. Allele origin: germline.
Comment: This variant is classified as likely benign based on ACMG/AMP sequence variant interpretation guidelines (Richards et al. 2015 PMID: 25741868, with internal and published modifications).

Dr. Peter K. Rogan Lab, Western University
No classification provided (evidence only). Condition: Gastric cancer. Review status: no classification provided. Collection method: in vitro. Allele origin: not applicable. Functional consequence: retained intron. Not counted in ClinVar's aggregate classification.

NM_006311.4(NCOR1):c.6010+6T>C

Gene: NCOR1 (nuclear receptor corepressor 1; minus strand). Cytogenetic location: 17p12.
Variant type: single nucleotide variant.
Coding change: c.6010+6T>C on transcript NM_006311.4 (MANE Select); 6 bases into the intron after coding-DNA position 6010, T replaced by C.
Molecular consequence: intron variant.
Genome position (GRCh38, 1-based): chr17:16,058,465, A>G on the plus strand (T>C on the coding strand, the complement: NCOR1 is on the minus strand). VCF-style: chr17-16058465-A-G. GRCh37 (hg19) VCF-style: chr17-15961779-A-G.
Other names: NC_000017.10:g.15961779A>G; c.6058+6T>C (NM_001439115.1); c.6232+6T>C (NM_001439111.1); c.6013+6T>C (NM_001439116.1); c.6061+6T>C (NM_001439114.1); c.6085+6T>C (NM_001439113.1); c.6088+6T>C (NM_001439112.1); c.5701+6T>C (NM_001190440.2).
Identifiers: ClinVar variation 3054351 (VCV003054351.3), dbSNP rs193239957, ClinGen allele CA8408155.